The following is an entry in ClinVar:

ClinVar aggregate classification (germline): Uncertain significance (1 of 4 stars; one submission).

Allele frequency attached by ClinVar (database versions not stated): gnomAD 0.00001.
gnomAD v4.1: 1 of 1,509,006 alleles (0.000066%); highest among the groups gnomAD compares: African/African-American, 0.0014%; no homozygotes.

Submission:

Labcorp Genetics (formerly Invitae), Labcorp
Classification: Uncertain significance. Last evaluated: 2022-08-15. Review status: criteria provided, single submitter. Criteria: Invitae Variant Classification Sherloc (09022015). Collection method: clinical testing. Allele origin: germline.
Comment: This sequence change falls in intron 32 of the ADGRV1 gene. It does not directly change the encoded amino acid sequence of the ADGRV1 protein. This variant is not present in population databases (gnomAD no frequency). This variant has not been reported in the literature in individuals affected with ADGRV1-related conditions. ClinVar contains an entry for this variant (Variation ID: 1042901). Algorithms developed to predict the effect of sequence changes on RNA splicing suggest that this variant may disrupt the consensus splice site. In summary, the available evidence is currently insufficient to determine the role of this variant in disease. Therefore, it has been classified as a Variant of Uncertain Significance.

NM_032119.4(ADGRV1):c.7134-20A>G

Gene: ADGRV1 (adhesion G protein-coupled receptor V1; plus strand). Cytogenetic location: 5q14.3.
Variant type: single nucleotide variant.
Coding change: c.7134-20A>G on transcript NM_032119.4 (MANE Select); 20 bases into the intron before coding-DNA position 7134, A replaced by G.
Molecular consequence: intron variant.
Genome position (GRCh38, 1-based): chr5:90,693,870, A>G. VCF-style: chr5-90693870-A-G. GRCh37 (hg19) VCF-style: chr5-89989687-A-G.
Identifiers: ClinVar variation 1042901 (VCV001042901.6), dbSNP rs1561540716, ClinGen allele CA1078661661.